The following is an entry in ClinVar:

ClinVar aggregate classification (germline): Likely pathogenic (1 of 4 stars; one submission).

Conditions:
Usher syndrome type 1 (USH1). Also called: RETINITIS PIGMENTOSA AND CONGENITAL DEAFNESS. Identifiers: Orphanet 231169, Orphanet 886, MedGen C1568247, MONDO:0010168, OMIM 276900.

Submission:

Myriad Genetics, Inc.
Classification: Likely pathogenic for Usher syndrome type 1. Last evaluated: 2026-07-15. Review status: criteria provided, single submitter. Criteria: Myriad Autosomal Dominant, Autosomal Recessive and X-Linked Classification Criteria (2023). Collection method: clinical testing. Allele origin: unknown.
Comment: NM_000260.3(MYO7A):c.592+1G>T is a variant in a canonical splice site classified as likely pathogenic in the context of MYO7A-related disorders. c.592+1G>T has been observed in a case with relevant disease (PMID: 21873662). Relevant functional assessments of this variant are not available in the literature. c.592+1G>T has not been observed in referenced population frequency databases. In summary, NM_000260.3(MYO7A):c.592+1G>T is a variant in a canonical splice site in a gene where loss of function is a known mechanism of disease, is predicted to disrupt protein function, and has been observed more frequently in cases with the relevant disease than in healthy populations. Please note: this variant was assessed in the context of healthy population screening.

Literature cited by the submitters: PubMed 21873662.

NM_000260.4(MYO7A):c.592+1G>T

Gene: MYO7A (myosin VIIA; plus strand). Cytogenetic location: 11q13.5.
Variant type: single nucleotide variant.
Coding change: c.592+1G>T on transcript NM_000260.4 (MANE Select); the canonical splice donor site of the intron after coding-DNA position 592, G replaced by T.
Molecular consequence: splice donor variant.
Genome position (GRCh38, 1-based): chr11:77,156,782, G>T. VCF-style: chr11-77156782-G-T. GRCh37 (hg19) VCF-style: chr11-76867828-G-T.
Other names: c.559+1G>T (NM_001369365.1); c.592+1G>T (NM_001127180.2).
Identifiers: ClinVar variation 5003263 (VCV005003263.1).